The following is an entry in ClinVar:

ClinVar aggregate classification (germline): Pathogenic (1 of 4 stars; one submission).

Conditions:
Familial hemiplegic migraine. Identifiers: MedGen C0338484, MONDO:0000700.

Submission:

Labcorp Genetics (formerly Invitae), Labcorp
Classification: Pathogenic for Familial hemiplegic migraine. Last evaluated: 2021-07-09. Review status: criteria provided, single submitter. Criteria: Invitae Variant Classification Sherloc (09022015). Collection method: clinical testing. Allele origin: germline.
Comment: This sequence change creates a premature translational stop signal (p.Ile286Aspfs*2) in the ATP1A2 gene. It is expected to result in an absent or disrupted protein product. Loss-of-function variants in ATP1A2 are known to be pathogenic (PMID: 30690204). This variant is not present in population databases (ExAC no frequency). This variant has not been reported in the literature in individuals affected with autosomal recessive ATP1A2-related conditions. This variant has been reported in individual(s) with autosomal dominant ATP1A2-related conditions (Invitae); however, the role of the variant in this condition is currently unclear. For these reasons, this variant has been classified as Pathogenic.

Literature cited by the submitters: PubMed 30690204.

NM_000702.4(ATP1A2):c.855dup (p.Ile286fs)

Gene: ATP1A2 (ATPase Na+/K+ transporting subunit alpha 2; plus strand). Cytogenetic location: 1q23.2.
Variant type: Duplication.
Coding change: c.855dup on transcript NM_000702.4 (MANE Select); coding-DNA position 855, one base duplicated (G; older notation c.855dupG).
Protein change: p.Ile286fs; shifts the reading frame from isoleucine 286.
Molecular consequence: frameshift variant.
Genome position (GRCh38, 1-based): chr1:160,127,658, G duplicated. VCF-style (leftmost placement, unchanged base first): chr1-160127657-A-AG. GRCh37 (hg19) VCF-style: chr1-160097447-A-AG.
Other names: short protein forms I286fs.
Identifiers: ClinVar variation 1388779 (VCV001388779.6), dbSNP rs2101988410, ClinGen allele CA2573131133.